The following is an entry in ClinVar:

ClinVar aggregate classification (germline): Benign. Review status: criteria provided, multiple submitters, no conflicts (2 of 4 stars). 4 submissions from 4 submitters: Benign (3). 1 of the submissions does not count toward it. Last evaluated 2025-09-16.

Conditions:
LRRK2-related disorder. Also called: LRRK2-related condition.
Autosomal dominant Parkinson disease 8. Also called: LRRK2-Related Parkinson Disease; Parkinson disease 8; Parkinson disease 8, susceptibility to. Identifiers: Orphanet 411602, MedGen C1846862, MONDO:0011764, OMIM 607060.

Allele frequency attached by ClinVar (database versions not stated): gnomAD exomes 0.00018 and 0.00039; ExAC 0.00045; 1000 Genomes Project 0.00080; 1000 Genomes Project 30x 0.00109; gnomAD 0.00122 and 0.00132; ESP Exome Variant Server 0.00169; TOPMed 0.00177.

Submissions (4):

Labcorp Genetics (formerly Invitae), Labcorp
Classification: Benign for Autosomal dominant Parkinson disease 8. Last evaluated: 2025-09-16. Review status: criteria provided, single submitter. Criteria: Invitae Variant Classification Sherloc (09022015). Collection method: clinical testing. Allele origin: germline.

GeneDx
Classification: Benign. Last evaluated: 2020-02-10. Review status: criteria provided, single submitter. Criteria: GeneDx Variant Classification Process June 2021. Collection method: clinical testing. Allele origin: germline. Affected: yes.

Breakthrough Genomics
Classification: Benign. Review status: criteria provided, single submitter. Criteria: ACMG Guidelines, 2015. Collection method: not provided. Allele origin: germline. Inheritance: Autosomal dominant inheritance. Affected: yes.

PreventionGenetics, part of Exact Sciences
Classification: Benign for LRRK2-related condition. Last evaluated: 2024-08-09. Review status: no assertion criteria provided. Collection method: clinical testing. Allele origin: germline. Not counted in ClinVar's aggregate classification.
Comment: This variant is classified as benign based on ACMG/AMP sequence variant interpretation guidelines (Richards et al. 2015 PMID: 25741868, with internal and published modifications).

NM_198578.4(LRRK2):c.1740A>T (p.Leu580Phe)

Gene: LRRK2 (leucine rich repeat kinase 2; plus strand). Cytogenetic location: 12q12.
Variant type: single nucleotide variant.
Coding change: c.1740A>T on transcript NM_198578.4 (MANE Select); coding-DNA position 1740, A replaced by T.
Protein change: p.Leu580Phe; replaces leucine 580 with phenylalanine.
Molecular consequence: missense variant.
Genome position (GRCh38, 1-based): chr12:40,274,666, A>T. VCF-style: chr12-40274666-A-T. GRCh37 (hg19) VCF-style: chr12-40668468-A-T.
Other names: short protein forms L580F.
Identifiers: ClinVar variation 1238571 (VCV001238571.14), dbSNP rs145906734, ClinGen allele CA6513442.
Genomic context (GRCh38, chr12:40,274,666, plus strand): 5'-GAAATGTGGATTAAAAGTAATTTCTTCTATTGTACATTTTCCTGATGCATTAGAGATGTT[A>T]TCCCTGGAAGGTGCTATGGATTCAGTGCTTCACACACTGCAGATGTATCCAGATGACCAA-3'
Protein context (NP_940980.4, residues 570-590): IVHFPDALEM[Leu580Phe]SLEGAMDSVL